The following is an entry in ClinVar:

ClinVar aggregate classification (germline): Likely benign (0 of 4 stars; one submission).

Conditions:
PFN1-related disorder. Also called: PFN1-related condition.

Allele frequency attached by ClinVar (database versions not stated): gnomAD 0.00001; gnomAD exomes 0.00001; TOPMed 0.00001.
gnomAD v4.1: 9 of 1,613,682 alleles (0.00056%); highest among the groups gnomAD compares: Non-Finnish European, 0.00076%; no homozygotes.

Submission:

PreventionGenetics, part of Exact Sciences
Classification: Likely benign for PFN1-related condition. Last evaluated: 2024-01-17. Review status: no assertion criteria provided. Collection method: clinical testing. Allele origin: germline.
Comment: This variant is classified as likely benign based on ACMG/AMP sequence variant interpretation guidelines (Richards et al. 2015 PMID: 25741868, with internal and published modifications).

NM_005022.4(PFN1):c.279C>T (p.Thr93=)

Gene: PFN1 (profilin 1; minus strand). Cytogenetic location: 17p13.2.
Variant type: single nucleotide variant.
Coding change: c.279C>T on transcript NM_005022.4 (MANE Select); coding-DNA position 279, C replaced by T.
Protein change: p.Thr93=; no amino-acid change (threonine 93 retained).
Molecular consequence: synonymous variant.
Genome position (GRCh38, 1-based): chr17:4,946,674, G>A on the plus strand (C>T on the coding strand, the complement: PFN1 is on the minus strand). VCF-style: chr17-4946674-G-A. GRCh37 (hg19) VCF-style: chr17-4849969-G-A.
Other names: c.279C>T, p.Thr93= (NM_001375991.1).
Identifiers: ClinVar variation 3058545 (VCV003058545.2), dbSNP rs11538690, ClinGen allele CA287169341.